The following is an entry in ClinVar:

ClinVar aggregate classification (germline): Uncertain significance (1 of 4 stars; one submission).

Conditions:
Wilms tumor 1 (WT1). Also called: Wilms tumor, somatic. Identifiers: Orphanet 654, MedGen CN033288, MONDO:0008679, OMIM 194070.

Allele frequency attached by ClinVar (database versions not stated): gnomAD exomes 0.00001.

Submission:

Labcorp Genetics (formerly Invitae), Labcorp
Classification: Uncertain significance for Wilms tumor 1. Last evaluated: 2021-10-02. Review status: criteria provided, single submitter. Criteria: Invitae Variant Classification Sherloc (09022015). Collection method: clinical testing. Allele origin: germline.
Comment: In summary, the available evidence is currently insufficient to determine the role of this variant in disease. Therefore, it has been classified as a Variant of Uncertain Significance. Algorithms developed to predict the effect of missense changes on protein structure and function (SIFT, PolyPhen-2, Align-GVGD) all suggest that this variant is likely to be tolerated. This variant has not been reported in the literature in individuals affected with GPC3-related conditions. This variant is not present in population databases (ExAC no frequency). This sequence change replaces valine with glycine at codon 290 of the GPC3 protein (p.Val290Gly). The valine residue is moderately conserved and there is a moderate physicochemical difference between valine and glycine.

NM_004484.4(GPC3):c.869T>G (p.Val290Gly)

Gene: GPC3 (glypican 3; minus strand). Cytogenetic location: Xq26.2.
Variant type: single nucleotide variant.
Coding change: c.869T>G on transcript NM_004484.4 (MANE Select); coding-DNA position 869, T replaced by G.
Protein change: p.Val290Gly; replaces valine 290 with glycine.
Molecular consequence: missense variant.
Genome position (GRCh38, 1-based): chrX:133,753,645, A>C on the plus strand (T>G on the coding strand, the complement: GPC3 is on the minus strand). VCF-style: chrX-133753645-A-C. GRCh37 (hg19) VCF-style: chrX-132887672-A-C.
Other names: c.869T>G, p.Val290Gly (NM_001164617.2); c.821T>G, p.Val274Gly (NM_001164618.2); c.707T>G, p.Val236Gly (NM_001164619.2); short protein forms V236G, V290G, V274G.
Identifiers: ClinVar variation 1520388 (VCV001520388.6), dbSNP rs1244073847, ClinGen allele CA414705470.